The following is an entry in ClinVar:

ClinVar aggregate classification (germline): Likely benign (0 of 4 stars; one submission).

Conditions:
STXBP5L-related disorder. Also called: STXBP5L-related condition.

Submission:

PreventionGenetics, part of Exact Sciences
Classification: Likely benign for STXBP5L-related condition. Last evaluated: 2019-05-07. Review status: no assertion criteria provided. Collection method: clinical testing. Allele origin: germline.
Comment: This variant is classified as likely benign based on ACMG/AMP sequence variant interpretation guidelines (Richards et al. 2015 PMID: 25741868, with internal and published modifications).

NM_001308330.2(STXBP5L):c.1959-10dup

Gene: STXBP5L (syntaxin binding protein 5L; plus strand). Cytogenetic location: 3q13.33.
Variant type: Duplication.
Coding change: c.1959-10dup on transcript NM_001308330.2 (MANE Select); 10 bases into the intron before coding-DNA position 1959, one base duplicated (T; older notation c.1959-10dupT).
Molecular consequence: intron variant.
Genome position (GRCh38, 1-based): chr3:121,279,795, T duplicated; the last of 8 consecutive T bases (chr3:121,279,788-121,279,795); duplicating any one gives the same sequence. VCF-style (leftmost placement, unchanged base first): chr3-121279787-A-AT. GRCh37 (hg19) VCF-style: chr3-120998634-A-AT.
Other names: c.1959-10dup (NM_014980.3, NM_001348345.2, NM_001348343.2 and 1 more transcripts).
Identifiers: ClinVar variation 3038208 (VCV003038208.2), dbSNP rs755945286, ClinGen allele CA2561592.